The following is an entry in ClinVar:

NM_006231.4(POLE):c.3070A>T (p.Met1024Leu)

Gene: POLE (DNA polymerase epsilon, catalytic subunit; minus strand). Cytogenetic location: 12q24.33.
Variant type: single nucleotide variant.
Coding change: c.3070A>T on transcript NM_006231.4 (MANE Select); coding-DNA position 3070, A replaced by T.
Protein change: p.Met1024Leu; replaces methionine 1024 with leucine.
Molecular consequence: missense variant.
Genome position (GRCh38, 1-based): chr12:132,659,500, T>A on the plus strand (A>T on the coding strand, the complement: POLE is on the minus strand). VCF-style: chr12-132659500-T-A. GRCh37 (hg19) VCF-style: chr12-133236086-T-A.
Other names: short protein forms M1024L.
Identifiers: ClinVar variation 5027091 (VCV005027091.1).

ClinVar aggregate classification (germline): Uncertain significance (1 of 4 stars; one submission).

Conditions:
Hereditary cancer-predisposing syndrome. Also called: Neoplastic Syndromes, Hereditary; Tumor predisposition; Hereditary neoplastic syndrome; Hereditary Cancer Syndrome. Identifiers: Orphanet 140162, MedGen C0027672, MeSH D009386, MONDO:0015356.

Submission:

Ambry Genetics
Classification: Uncertain significance for Hereditary cancer-predisposing syndrome. Last evaluated: 2026-07-25. Review status: criteria provided, single submitter. Criteria: Ambry Variant Classification Scheme 2023. Collection method: clinical testing. Allele origin: germline.
Comment: The p.M1024L variant (also known as c.3070A>T), located in coding exon 26 of the POLE gene, results from an A to T substitution at nucleotide position 3070. The methionine at codon 1024 is replaced by leucine, an amino acid with highly similar properties. This amino acid position is conserved. In addition, the in silico prediction for this alteration is inconclusive. Based on the available evidence, the clinical significance of this variant remains unclear.